The following is an entry in ClinVar:

NM_024334.3(TMEM43):c.541A>G (p.Thr181Ala)

Gene: TMEM43 (transmembrane protein 43; plus strand). Cytogenetic location: 3p25.1.
Variant type: single nucleotide variant.
Coding change: c.541A>G on transcript NM_024334.3 (MANE Select); coding-DNA position 541, A replaced by G.
Protein change: p.Thr181Ala; replaces threonine 181 with alanine.
Molecular consequence: missense variant.
Genome position (GRCh38, 1-based): chr3:14,133,767, A>G. VCF-style: chr3-14133767-A-G. GRCh37 (hg19) VCF-style: chr3-14175267-A-G.
Other names: c.544A>G, p.Thr182Ala (NM_001407274.1); c.541A>G, p.Thr181Ala (NM_001407275.1, NM_001407276.1, NM_001407277.1 and 1 more transcripts); c.526A>G, p.Thr176Ala (NM_001407278.1); c.391A>G, p.Thr131Ala (NM_001407280.1); short protein forms T131A, T182A, T176A, T181A.
Identifiers: ClinVar variation 1747413 (VCV001747413.3), dbSNP rs753740877, ClinGen allele CA054270.

ClinVar aggregate classification (germline): Uncertain significance. Review status: criteria provided, multiple submitters, no conflicts (2 of 4 stars). 2 submissions from 2 submitters: Uncertain significance (2). Last evaluated 2024-02-22.

Conditions:
Cardiovascular phenotype. Identifiers: MedGen CN230736.
Arrhythmogenic right ventricular dysplasia 5. Also called: Arrhythmogenic Right Ventricular Dysplasia/Cardiomyopathy 5; ARRHYTHMOGENIC RIGHT VENTRICULAR DYSPLASIA, FAMILIAL, 5. Identifiers: MedGen C1858379, MONDO:0011459, OMIM 604400.

Allele frequency attached by ClinVar (database versions not stated): gnomAD exomes below 0.00001; TOPMed below 0.00001; ExAC 0.00001; gnomAD 0.00001.
gnomAD v4.1: 4 of 1,614,070 alleles (0.00025%); highest among the groups gnomAD compares: African/African-American, 0.0013%; no homozygotes.

Submissions (2):

All of Us Research Program, National Institutes of Health
Classification: Uncertain significance for Arrhythmogenic right ventricular dysplasia 5. Last evaluated: 2024-02-22. Review status: criteria provided, single submitter. Criteria: ACMG Guidelines, 2015. Collection method: clinical testing. Allele origin: germline. Inheritance: Autosomal dominant inheritance. Observed: 1 variant allele, 1 heterozygote.
Comment: This missense variant replaces threonine with alanine at codon 181 of the TMEM43 protein. Computational prediction suggests that this variant may not impact protein structure and function (internally defined REVEL score threshold <= 0.5, PMID: 27666373). To our knowledge, functional studies have not been reported for this variant. This variant has not been reported in individuals affected with TMEM43-related disorders in the literature. This variant has been identified in 1/251474 chromosomes in the general population by the Genome Aggregation Database (gnomAD). The available evidence is insufficient to determine the role of this variant in disease conclusively. Therefore, this variant is classified as a Variant of Uncertain Significance.

This study involves interpretation of variants in research participants for the purpose of population health screening. Participant phenotype was not available at the time of variant classification. Additional details can be found in publication PMID: 35346344, PMCID: PMC8962531

Ambry Genetics
Classification: Uncertain significance for Cardiovascular phenotype. Last evaluated: 2020-03-17. Review status: criteria provided, single submitter. Criteria: Ambry Variant Classification Scheme 2023. Collection method: clinical testing. Allele origin: germline.
Comment: The p.T181A variant (also known as c.541A>G), located in coding exon 7 of the TMEM43 gene, results from an A to G substitution at nucleotide position 541. The threonine at codon 181 is replaced by alanine, an amino acid with similar properties. This amino acid position is not well conserved in available vertebrate species. In addition, this alteration is predicted to be tolerated by in silico analysis. Since supporting evidence is limited at this time, the clinical significance of this alteration remains unclear.